The following is an entry in ClinVar:

NM_003200.5(TCF3):c.500A>G (p.Asp167Gly)

Gene: TCF3 (transcription factor 3; minus strand). Cytogenetic location: 19p13.3.
Variant type: single nucleotide variant.
Coding change: c.500A>G on transcript NM_003200.5 (MANE Select); coding-DNA position 500, A replaced by G.
Protein change: p.Asp167Gly; replaces aspartic acid 167 with glycine.
Molecular consequence: missense variant.
Genome position (GRCh38, 1-based): chr19:1,624,000, T>C on the plus strand (A>G on the coding strand, the complement: TCF3 is on the minus strand). VCF-style: chr19-1624000-T-C. GRCh37 (hg19) VCF-style: chr19-1623999-T-C.
Other names: c.500A>G, p.Asp167Gly (NM_001136139.4, NM_001351778.2, NM_001351779.2); short protein forms D167G.
Identifiers: ClinVar variation 3324961 (VCV003324961.3).

ClinVar aggregate classification (germline): Uncertain significance. Review status: criteria provided, multiple submitters, no conflicts (2 of 4 stars). 2 submissions from 2 submitters: Uncertain significance (2). Last evaluated 2024-04-15.

Conditions:
Inborn genetic diseases. Identifiers: MedGen C0950123, MeSH D030342.

gnomAD v4.1: 9 of 1,613,198 alleles (0.00056%); highest among the groups gnomAD compares: African/African-American, 0.0067%; no homozygotes.

Submissions (2):

Ambry Genetics
Classification: Uncertain significance for Inborn genetic diseases. Last evaluated: 2024-04-15. Review status: criteria provided, single submitter. Criteria: Ambry Variant Classification Scheme 2023. Collection method: clinical testing. Allele origin: germline.

Labcorp Genetics (formerly Invitae), Labcorp
Classification: Uncertain significance. Last evaluated: 2024-03-03. Review status: criteria provided, single submitter. Criteria: Invitae Variant Classification Sherloc (09022015). Collection method: clinical testing. Allele origin: germline.
Comment: This sequence change replaces aspartic acid, which is acidic and polar, with glycine, which is neutral and non-polar, at codon 167 of the TCF3 protein (p.Asp167Gly). This variant is present in population databases (rs769709522, gnomAD 0.01%). This variant has not been reported in the literature in individuals affected with TCF3-related conditions. An algorithm developed to predict the effect of missense changes on protein structure and function (PolyPhen-2) suggests that this variant is likely to be disruptive. In summary, the available evidence is currently insufficient to determine the role of this variant in disease. Therefore, it has been classified as a Variant of Uncertain Significance.